The following is an entry in ClinVar:

ClinVar aggregate classification (germline): Uncertain significance (1 of 4 stars; one submission).

Conditions:
Retinitis pigmentosa 76 (RP76). Identifiers: MedGen C4310704, MONDO:0014929, OMIM 617123.

Submission:

Broad Center for Mendelian Genomics, Broad Institute of MIT and Harvard
Classification: Uncertain significance for Retinitis pigmentosa 76. Last evaluated: 2023-01-24. Review status: criteria provided, single submitter. Criteria: ACMG Guidelines, 2015. Collection method: curation. Allele origin: germline. Inheritance: Autosomal recessive inheritance.
Comment: The p.Arg497Gly variant in POMGNT1 has not been previously reported in the literature in individuals with POMGNT1-associated retinal dystrophy. This variant was absent from large population studies. Computational prediction tools and conservation analyses suggest that this variant may impact the protein, though this information is not predictive enough to determine pathogenicity. In summary, the clinical significance of the p.Arg497Gly variant is uncertain. ACMG/AMP Criteria applied: PM2_Supporting, PP3 (Richards 2015).

NM_017739.4(POMGNT1):c.1489C>G (p.Arg497Gly)

Genes: POMGNT1 (protein O-linked mannose N-acetylglucosaminyltransferase 1 (beta 1,2-); minus strand), TSPAN1 (tetraspanin 1; plus strand). Cytogenetic location: 1p34.1.
Variant type: single nucleotide variant.
Coding change: c.1489C>G on transcript NM_017739.4 (MANE Select); coding-DNA position 1489, C replaced by G.
Protein change: p.Arg497Gly; replaces arginine 497 with glycine.
Molecular consequence: missense variant.
Genome position (GRCh38, 1-based): chr1:46,192,148, G>C on the plus strand (C>G on the coding strand, the complement: POMGNT1 is on the minus strand). VCF-style: chr1-46192148-G-C. GRCh37 (hg19) VCF-style: chr1-46657820-G-C.
Other names: NM_017739.4:c.1489C>G; c.1489C>G, p.Arg497Gly (NM_001243766.2, NM_001410783.1); c.1423C>G, p.Arg475Gly (NM_001290129.3); c.1060C>G, p.Arg354Gly (NM_001290130.2); short protein forms R475G, R497G, R354G.
Identifiers: ClinVar variation 2412677 (VCV002412677.1), dbSNP rs745343484, ClinGen allele CA340173472.